The following is an entry in ClinVar:

ClinVar aggregate classification (germline): Uncertain significance. Review status: criteria provided, multiple submitters, no conflicts (2 of 4 stars). 2 submissions from 2 submitters: Uncertain significance (2). Last evaluated 2022-10-24.

gnomAD v4.1: 1 of 1,614,104 alleles (0.000062%); highest among the groups gnomAD compares: Non-Finnish European, 0.000085%; no homozygotes.

Submissions (2):

Blueprint Genetics
Classification: Uncertain significance. Last evaluated: 2022-10-24. Review status: criteria provided, single submitter. Criteria: ACMG Guidelines, 2015. Collection method: clinical testing. Allele origin: germline.

Labcorp Genetics (formerly Invitae), Labcorp
Classification: Uncertain significance. Last evaluated: 2022-06-13. Review status: criteria provided, single submitter. Criteria: Invitae Variant Classification Sherloc (09022015). Collection method: clinical testing. Allele origin: germline.
Comment: This sequence change replaces isoleucine, which is neutral and non-polar, with methionine, which is neutral and non-polar, at codon 1321 of the PCDH15 protein (p.Ile1321Met). This variant is not present in population databases (gnomAD no frequency). This variant has not been reported in the literature in individuals affected with PCDH15-related conditions. Algorithms developed to predict the effect of missense changes on protein structure and function are either unavailable or do not agree on the potential impact of this missense change (SIFT: "Deleterious"; PolyPhen-2: "Probably Damaging"; Align-GVGD: "Class C0"). In summary, the available evidence is currently insufficient to determine the role of this variant in disease. Therefore, it has been classified as a Variant of Uncertain Significance.

NM_001384140.1(PCDH15):c.3963C>G (p.Ile1321Met)

Gene: PCDH15 (protocadherin related 15; minus strand). Cytogenetic location: 10q21.1.
Variant type: single nucleotide variant.
Coding change: c.3963C>G on transcript NM_001384140.1 (MANE Select); coding-DNA position 3963, C replaced by G.
Protein change: p.Ile1321Met; replaces isoleucine 1321 with methionine.
Molecular consequence: missense variant.
Genome position (GRCh38, 1-based): chr10:53,840,340, G>C on the plus strand (C>G on the coding strand, the complement: PCDH15 is on the minus strand). VCF-style: chr10-53840340-G-C. GRCh37 (hg19) VCF-style: chr10-55600100-G-C.
Other names: c.3978C>G, p.Ile1326Met (NM_001142763.2, NM_001142771.2); c.3963C>G, p.Ile1321Met (NM_001142764.2, NM_001142766.2, NM_001142770.3 and 4 more transcripts); c.3750C>G, p.Ile1250Met (NM_001142765.2); c.3852C>G, p.Ile1284Met (NM_001142767.2); c.3897C>G, p.Ile1299Met (NM_001142768.2, NM_001142773.2, NM_001354404.2); c.3999C>G, p.Ile1333Met (NM_001142769.4); c.3984C>G, p.Ile1328Met (NM_001354411.2); short protein forms I1321M, I1328M, I1250M, I1299M, I1333M, I1326M, I1284M.
Identifiers: ClinVar variation 1392340 (VCV001392340.6), dbSNP rs781522540, ClinGen allele CA376528690.